The following is an entry in ClinVar:

NM_015346.4(ZFYVE26):c.3887C>G (p.Ser1296Ter)

Gene: ZFYVE26 (zinc finger FYVE-type containing 26; minus strand). Cytogenetic location: 14q24.1.
Variant type: single nucleotide variant.
Coding change: c.3887C>G on transcript NM_015346.4 (MANE Select); coding-DNA position 3887, C replaced by G.
Protein change: p.Ser1296Ter; replaces serine 1296 with a stop codon.
Molecular consequence: nonsense.
Genome position (GRCh38, 1-based): chr14:67,783,265, G>C on the plus strand (C>G on the coding strand, the complement: ZFYVE26 is on the minus strand). VCF-style: chr14-67783265-G-C. GRCh37 (hg19) VCF-style: chr14-68249982-G-C.
Other names: short protein forms S1296*.
Identifiers: ClinVar variation 3638367 (VCV003638367.2).

ClinVar aggregate classification (germline): Pathogenic (1 of 4 stars; one submission).

Conditions:
Spastic paraplegia. Identifiers: MedGen C0037772, HP:0001258.

Submission:

Labcorp Genetics (formerly Invitae), Labcorp
Classification: Pathogenic for Spastic paraplegia. Last evaluated: 2024-02-02. Review status: criteria provided, single submitter. Criteria: Invitae Variant Classification Sherloc (09022015). Collection method: clinical testing. Allele origin: germline.
Comment: This sequence change creates a premature translational stop signal (p.Ser1296*) in the ZFYVE26 gene. It is expected to result in an absent or disrupted protein product. Loss-of-function variants in ZFYVE26 are known to be pathogenic (PMID: 18394578, 19805727). This variant is not present in population databases (gnomAD no frequency). This variant has not been reported in the literature in individuals affected with ZFYVE26-related conditions. For these reasons, this variant has been classified as Pathogenic.

Literature cited by the submitters: PubMed 18394578; PubMed 19805727.